The following is an entry in ClinVar:

ClinVar aggregate classification (germline): Uncertain significance (1 of 4 stars; one submission).

gnomAD v4.1: 235 of 1,588,652 alleles (0.015%); highest among the groups gnomAD compares: Non-Finnish European, 0.019%; no homozygotes.

Submission:

CeGaT Center for Human Genetics Tuebingen
Classification: Uncertain significance. Last evaluated: 2024-08-01. Review status: criteria provided, single submitter. Criteria: CeGaT Center For Human Genetics Tuebingen Variant Classification Criteria Version 2. Collection method: clinical testing. Allele origin: germline. Affected: yes. Observed: 1 variant allele.
Comment: HECTD4: PM2, BP4

NM_001388303.1(HECTD4):c.8568-4G>T

Gene: HECTD4 (HECT domain E3 ubiquitin protein ligase 4; minus strand). Cytogenetic location: 12q24.13.
Variant type: single nucleotide variant.
Coding change: c.8568-4G>T on transcript NM_001388303.1 (MANE Select); 4 bases into the intron before coding-DNA position 8568, G replaced by T.
Molecular consequence: intron variant.
Genome position (GRCh38, 1-based): chr12:112,195,070, C>A on the plus strand (G>T on the coding strand, the complement: HECTD4 is on the minus strand). VCF-style: chr12-112195070-C-A. GRCh37 (hg19) VCF-style: chr12-112632874-C-A.
Other names: c.8598-4G>T (NM_001109662.4).
Identifiers: ClinVar variation 3341811 (VCV003341811.16).